The following is an entry in ClinVar:

ClinVar aggregate classification (germline): Conflicting classifications of pathogenicity. Review status: criteria provided, conflicting classifications (1 of 4 stars). 3 submissions from 3 submitters: Uncertain significance (2); Benign (1). Last evaluated 2026-01-20.

Conditions:
Hereditary cancer-predisposing syndrome. Also called: Hereditary neoplastic syndrome; Neoplastic Syndromes, Hereditary; Tumor predisposition; Hereditary Cancer Syndrome. Identifiers: Orphanet 140162, MedGen C0027672, MeSH D009386, MONDO:0015356.
Gorlin syndrome. Also called: Nevoid Basal Cell Carcinoma Syndrome; Basal cell nevus syndrome. Identifiers: Orphanet 377, MedGen C0004779, MONDO:0007187.
Basal cell carcinoma, susceptibility to, 1. Also called: BCC1. Identifiers: MedGen C2751544, MONDO:0011556, OMIM 605462.
Holoprosencephaly 7 (HPE7). Identifiers: Orphanet 2162, MedGen C1835820, MONDO:0012562, OMIM 610828.

Allele frequency attached by ClinVar (database versions not stated): gnomAD exomes 0.00001; ExAC 0.00002; TOPMed 0.00002; gnomAD 0.00003 and 0.00004.
gnomAD v4.1: 16 of 1,613,962 alleles (0.00099%); highest among the groups gnomAD compares: East Asian, 0.011%; no homozygotes.

Submissions (3):

Labcorp Genetics (formerly Invitae), Labcorp
Classification: Benign for Gorlin syndrome. Last evaluated: 2026-01-20. Review status: criteria provided, single submitter. Criteria: Invitae Variant Classification Sherloc (09022015). Collection method: clinical testing. Allele origin: germline.

Ambry Genetics
Classification: Uncertain significance for Hereditary cancer-predisposing syndrome. Last evaluated: 2025-04-12. Review status: criteria provided, single submitter. Criteria: Ambry Variant Classification Scheme 2023. Collection method: clinical testing. Allele origin: germline.
Comment: The p.D1146N variant (also known as c.3436G>A), located in coding exon 20 of the PTCH1 gene, results from a G to A substitution at nucleotide position 3436. The aspartic acid at codon 1146 is replaced by asparagine, an amino acid with highly similar properties. This amino acid position is highly conserved in available vertebrate species. In addition, the in silico prediction for this alteration is inconclusive. Based on the available evidence, the clinical significance of this variant remains unclear.

Fulgent Genetics
Classification: Uncertain significance for Basal cell nevus syndrome 1; Basal cell carcinoma, susceptibility to, 1; Holoprosencephaly 7. Last evaluated: 2021-12-15. Review status: criteria provided, single submitter. Criteria: ACMG Guidelines, 2015. Collection method: clinical testing. Allele origin: unknown.

NM_000264.5(PTCH1):c.3436G>A (p.Asp1146Asn)

Gene: PTCH1 (patched 1; minus strand). Cytogenetic location: 9q22.32.
Variant type: single nucleotide variant.
Coding change: c.3436G>A on transcript NM_000264.5 (MANE Select); coding-DNA position 3436, G replaced by A.
Protein change: p.Asp1146Asn; replaces aspartic acid 1146 with asparagine.
Molecular consequence: missense variant. On other transcripts: non-coding transcript variant (1).
Genome position (GRCh38, 1-based): chr9:95,453,491, C>T on the plus strand (G>A on the coding strand, the complement: PTCH1 is on the minus strand). VCF-style: chr9-95453491-C-T. GRCh37 (hg19) VCF-style: chr9-98215773-C-T.
Other names: c.3238G>A, p.Asp1080Asn (NM_001083602.3); c.3433G>A, p.Asp1145Asn (NM_001083603.3); c.2983G>A, p.Asp995Asn (NM_001083604.3, NM_001083605.3, NM_001083606.3 and 1 more transcripts); c.3280G>A, p.Asp1094Asn (NM_001354918.2); short protein forms D1146N, D1080N, D1145N, D995N, D1094N.
Identifiers: ClinVar variation 409155 (VCV000409155.16), dbSNP rs749542089, ClinGen allele CA5138155.